The following is an entry in ClinVar:

ClinVar aggregate classification (germline): Uncertain significance. Review status: criteria provided, multiple submitters, no conflicts (2 of 4 stars). 3 submissions from 3 submitters: Uncertain significance (3). Last evaluated 2026-01-29.

Conditions:
Hypercholesterolemia, autosomal dominant, type B (FHCL2). Also called: APOB-Related Familial Hypercholesterolemia, Autosomal Dominant; Familial Hypercholesterolemia Type B; Hyperlipoproteinemia Type IIb; APOLIPOPROTEIN B-100, FAMILIAL DEFECTIVE; APOLIPOPROTEIN B-100, FAMILIAL LIGAND-DEFECTIVE; Familial hypercholesterolemia 2. Identifiers: MedGen C1704417, MONDO:0007751, OMIM 144010.
Familial hypobetalipoproteinemia 1. Also called: APOB-Related Familial Hypobetalipoproteinemia; Hypobetalipoproteinemia, normotriglyceridemic; Acanthocytosis with hypobetalipoproteinemia. Identifiers: MedGen C4551990, MONDO:0014252, OMIM 615558.

Allele frequency attached by ClinVar (database versions not stated): gnomAD exomes below 0.00001 and 0.00001.

Submissions (3):

GeneDx
Classification: Uncertain significance. Last evaluated: 2026-01-29. Review status: criteria provided, single submitter. Criteria: GeneDx Variant Classification Process June 2021. Collection method: clinical testing. Allele origin: germline.
Comment: Not observed at significant frequency in large population cohorts (gnomAD); In silico analysis supports that this missense variant has a deleterious effect on protein structure/function; Has not been previously published as pathogenic or benign to our knowledge

Quest Diagnostics Nichols Institute San Juan Capistrano
Classification: Uncertain significance. Last evaluated: 2025-03-13. Review status: criteria provided, single submitter. Criteria: Quest Diagnostics criteria. Collection method: clinical testing. Allele origin: unknown.
Comment: The APOB c.263G>A (p.Cys88Tyr) variant has been reported in the published literature in a family with familial hypercholesterolemia (PMID: 23833242 (2013)). The frequency of this variant in the general population (Genome Aggregation Database) is uninformative in the assessment of its pathogenicity. Analysis of this variant using bioinformatics tools for the prediction of the effect of amino acid changes on protein structure and function yielded predictions that this variant is damaging. Based on the available information, we are unable to determine the clinical significance of this variant.

Labcorp Genetics (formerly Invitae), Labcorp
Classification: Uncertain significance for Familial hypobetalipoproteinemia 1; Hypercholesterolemia, autosomal dominant, type B. Last evaluated: 2024-04-16. Review status: criteria provided, single submitter. Criteria: Invitae Variant Classification Sherloc (09022015). Collection method: clinical testing. Allele origin: germline.
Comment: This sequence change replaces cysteine, which is neutral and slightly polar, with tyrosine, which is neutral and polar, at codon 88 of the APOB protein (p.Cys88Tyr). This variant is present in population databases (no rsID available, gnomAD 0.0009%). This variant has not been reported in the literature in individuals affected with APOB-related conditions. ClinVar contains an entry for this variant (Variation ID: 801047). Advanced modeling of protein sequence and biophysical properties (such as structural, functional, and spatial information, amino acid conservation, physicochemical variation, residue mobility, and thermodynamic stability) performed at Invitae indicates that this missense variant is not expected to disrupt APOB protein function with a negative predictive value of 95%. In summary, the available evidence is currently insufficient to determine the role of this variant in disease. Therefore, it has been classified as a Variant of Uncertain Significance.

Literature cited by the submitters: PubMed 2115173 (cited by Quest Diagnostics Nichols Institute San Juan Capistrano); PubMed 23833242 (cited by Quest Diagnostics Nichols Institute San Juan Capistrano).

NM_000384.3(APOB):c.263G>A (p.Cys88Tyr)

Gene: APOB (apolipoprotein B; minus strand). Cytogenetic location: 2p24.1.
Variant type: single nucleotide variant.
Coding change: c.263G>A on transcript NM_000384.3 (MANE Select); coding-DNA position 263, G replaced by A.
Protein change: p.Cys88Tyr; replaces cysteine 88 with tyrosine.
Molecular consequence: missense variant.
Genome position (GRCh38, 1-based): chr2:21,041,058, C>T on the plus strand (G>A on the coding strand, the complement: APOB is on the minus strand). VCF-style: chr2-21041058-C-T. GRCh37 (hg19) VCF-style: chr2-21263930-C-T.
Other names: short protein forms C88Y.
Identifiers: ClinVar variation 801047 (VCV000801047.7), dbSNP rs1290557659, ClinGen allele CA345964305.